The following is an entry in ClinVar:

NM_001348716.2(KDM6B):c.777A>C (p.Pro259=)

Gene: KDM6B (lysine demethylase 6B; plus strand). Cytogenetic location: 17p13.1.
Variant type: single nucleotide variant.
Coding change: c.777A>C on transcript NM_001348716.2 (MANE Select); coding-DNA position 777, A replaced by C.
Protein change: p.Pro259=; no amino-acid change (proline 259 retained).
Molecular consequence: synonymous variant.
Genome position (GRCh38, 1-based): chr17:7,846,884, A>C. VCF-style: chr17-7846884-A-C. GRCh37 (hg19) VCF-style: chr17-7750202-A-C.
Other names: c.777A>C, p.Pro259= (NM_001080424.2).
Identifiers: ClinVar variation 3056144 (VCV003056144.21), dbSNP rs2078555953, ClinGen allele CA497946462.
Genomic context (GRCh38, chr17:7,846,884, plus strand): 5'-CCTTCCCCCAGGGCTGCCACTGCCTCCACCACCATTACCACCACCACCACCACCACCACC[A>C]CCACCACCACCACCCCTGCCTGGCCTGGCTACCAGCCCCCCATTTCAGCTAACCAAGCCA-3'
Protein context (NP_001335645.1, residues 249-269): PPLPPPPPPP[Pro259=]PPPPPLPGLA

ClinVar aggregate classification (germline): Likely benign. Review status: criteria provided, single submitter (1 of 4 stars). 2 submissions from 2 submitters: Likely benign (1). 1 of the submissions does not count toward it. Last evaluated 2024-06-01.

Conditions:
KDM6B-related disorder. Also called: KDM6B-related condition.

Submissions (2):

CeGaT Center for Human Genetics Tuebingen
Classification: Likely benign. Last evaluated: 2024-06-01. Review status: criteria provided, single submitter. Criteria: CeGaT Center For Human Genetics Tuebingen Variant Classification Criteria Version 2. Collection method: clinical testing. Allele origin: germline. Affected: yes. Observed: 2 variant alleles.
Comment: KDM6B: BP4, BP7

PreventionGenetics, part of Exact Sciences
Classification: Likely benign for KDM6B-related condition. Last evaluated: 2019-10-31. Review status: no assertion criteria provided. Collection method: clinical testing. Allele origin: germline. Not counted in ClinVar's aggregate classification.
Comment: This variant is classified as likely benign based on ACMG/AMP sequence variant interpretation guidelines (Richards et al. 2015 PMID: 25741868, with internal and published modifications).